The following is an entry in ClinVar:

ClinVar aggregate classification (germline): Likely pathogenic. Review status: criteria provided, multiple submitters, no conflicts (2 of 4 stars). 3 submissions from 3 submitters: Likely pathogenic (2). 1 of the submissions does not count toward it. Last evaluated 2021-05-12.

Submissions (3):

Labcorp Genetics (formerly Invitae), Labcorp
Classification: Likely pathogenic. Last evaluated: 2021-05-12. Review status: criteria provided, single submitter. Criteria: Invitae Variant Classification Sherloc (09022015). Collection method: clinical testing. Allele origin: germline.
Comment: This variant disrupts the p.Gly503 amino acid residue in COL4A5. Other variant(s) that disrupt this residue have been observed in individuals with COL4A5-related conditions (PMID: 19728970), which suggests that this may be a clinically significant amino acid residue. In summary, the currently available evidence indicates that the variant is pathogenic, but additional data are needed to prove that conclusively. Therefore, this variant has been classified as Likely Pathogenic. This variant disrupts the triple helix domain of COL4A5. Glycine residues within the Gly-Xaa-Yaa repeats of the triple helix domain are required for the structure and stability of fibrillar collagens (PMID: 7695699, 8218237, 19344236). In COL4A5, missense variants at these glycine residues are significantly enriched in individuals with disease (PMID: 23720012, 27627812) compared to the general population (ExAC). Advanced modeling of protein sequence and biophysical properties (such as structural, functional, and spatial information, amino acid conservation, physicochemical variation, residue mobility, and thermodynamic stability) performed at Invitae indicates that this missense variant is expected to disrupt COL4A5 protein function. This variant has been observed in individual(s) with clinical features of Alport syndrome (Invitae). ClinVar contains an entry for this variant (Variation ID: 562256). This variant is not present in population databases (ExAC no frequency). This sequence change replaces glycine with valine at codon 503 of the COL4A5 protein (p.Gly503Val). The glycine residue is highly conserved and there is a moderate physicochemical difference between glycine and valine.

Athena Diagnostics
Classification: Likely pathogenic. Last evaluated: 2018-11-02. Review status: criteria provided, single submitter. Criteria: Athena Diagnostics Criteria. Collection method: clinical testing. Allele origin: germline.
Comment: The variant disrupts a glycine residue in the canonical Gly-X-Y repeats of the triple helix domain, which are required for stability and structure of this protein. Therefore it is expected to severely affect the function of the protein. Not found in the total gnomAD dataset, and the data is high quality (0/182933 chr).

Gharavi Laboratory, Columbia University
Classification: Likely pathogenic. Last evaluated: 2018-09-16. Review status: no assertion criteria provided. Criteria: ACMG Guidelines, 2015. Collection method: research. Allele origin: germline. Affected: yes. Not counted in ClinVar's aggregate classification.

Literature cited by the submitters: PubMed 19728970 (cited by Labcorp Genetics (formerly Invitae), Labcorp); PubMed 7695699 (cited by Labcorp Genetics (formerly Invitae), Labcorp); PubMed 8218237 (cited by Labcorp Genetics (formerly Invitae), Labcorp); PubMed 19344236 (cited by Labcorp Genetics (formerly Invitae), Labcorp); PubMed 23720012 (cited by Labcorp Genetics (formerly Invitae), Labcorp); PubMed 27627812 (cited by Labcorp Genetics (formerly Invitae), Labcorp).

NM_033380.3(COL4A5):c.1508G>T (p.Gly503Val)

Gene: COL4A5 (collagen type IV alpha 5 chain; plus strand). Cytogenetic location: Xq22.3.
Variant type: single nucleotide variant.
Coding change: c.1508G>T on transcript NM_033380.3 (MANE Select); coding-DNA position 1508, G replaced by T.
Protein change: p.Gly503Val; replaces glycine 503 with valine.
Molecular consequence: missense variant.
Genome position (GRCh38, 1-based): chrX:108,595,593, G>T. VCF-style: chrX-108595593-G-T. GRCh37 (hg19) VCF-style: chrX-107838823-G-T.
Other names: c.1508G>T, p.Gly503Val (NM_000495.5); short protein forms G503V.
Identifiers: ClinVar variation 562256 (VCV000562256.9), dbSNP rs1569493679, ClinGen allele CA413936130.